The following is an entry in ClinVar:

ClinVar aggregate classification (germline): Uncertain significance (1 of 4 stars; one submission).

Conditions:
Autosomal dominant medullary cystic kidney disease with or without hyperuricemia. Identifiers: Orphanet 34149, MedGen C4511620, MONDO:0008264.

Submission:

Molecular Genetics, Royal Melbourne Hospital
Classification: Uncertain significance for Autosomal dominant medullary cystic kidney disease with or without hyperuricemia. Last evaluated: 2023-03-30. Review status: criteria provided, single submitter. Criteria: ACMG Guidelines, 2015. Collection method: clinical testing. Allele origin: germline. Affected: yes.
Comment: This sequence change in UMOD is predicted to replace proline with glutamine at codon 173, p.(Pro173Gln). The proline residue is highly conserved (87/93 vertebrates, UCSC), and is not located in an annotated domain. There is a moderate physicochemical difference between proline and glutamine. This variant is absent from the population database gnomAD v2.1 and v3.1. To our knowledge, this variant has not been reported in the literature. Multiple lines of computational evidence predict a deleterious effect for the missense substitution (6/6 algorithms). Multiple missense variants in the same codon have been reported in individuals with ADTKD, suggesting the importance of the residue p.Pro173 to protein function (PMID: 28509303, 30473401, 32954071). One of these missense variants, c.517C>G p.Pro173Ala (with a small physicochemical difference) has can be classified as likely pathogenic for ADTKD (PMID: 30473401). Based on the classification scheme RMH Modified ACMG Guidelines v1.5.1, this variant is classified as a VARIANT OF UNCERTAIN SIGNIFICANCE. Following criteria are met: PM5, PS4_Supporting, PM2_Supporting, PP3.

Literature cited by the submitters: PubMed 28509303; PubMed 30473401; PubMed 32954071.

NM_003361.4(UMOD):c.518C>A (p.Pro173Gln)

Gene: UMOD (uromodulin; minus strand). Cytogenetic location: 16p12.3.
Variant type: single nucleotide variant.
Coding change: c.518C>A on transcript NM_003361.4 (MANE Select); coding-DNA position 518, C replaced by A.
Protein change: p.Pro173Gln; replaces proline 173 with glutamine.
Molecular consequence: missense variant. On other transcripts: non-coding transcript variant (1).
Genome position (GRCh38, 1-based): chr16:20,348,783, G>T on the plus strand (C>A on the coding strand, the complement: UMOD is on the minus strand). VCF-style: chr16-20348783-G-T. GRCh37 (hg19) VCF-style: chr16-20360105-G-T.
Other names: c.518C>A, p.Pro173Gln (NM_001008389.3, NM_001378232.1, NM_001378233.1 and 3 more transcripts); c.617C>A, p.Pro206Gln (NM_001278614.2); short protein forms P173Q, P206Q.
Identifiers: ClinVar variation 3068587 (VCV003068587.1), dbSNP rs2507388370, ClinGen allele CA394985630.